The following is an entry in ClinVar:

NM_000059.4(BRCA2):c.7097T>C (p.Leu2366Pro)

Gene: BRCA2 (BRCA2 DNA repair associated; plus strand). Cytogenetic location: 13q13.1.
Variant type: single nucleotide variant.
Coding change: c.7097T>C on transcript NM_000059.4 (MANE Select); coding-DNA position 7097, T replaced by C.
Protein change: p.Leu2366Pro; replaces leucine 2366 with proline.
Molecular consequence: missense variant. On other transcripts: non-coding transcript variant (1).
Genome position (GRCh38, 1-based): chr13:32,354,950, T>C. VCF-style: chr13-32354950-T-C. GRCh37 (hg19) VCF-style: chr13-32929087-T-C.
Other names: c.7001T>C, p.Leu2334Pro (NM_001406719.1); c.7097T>C, p.Leu2366Pro (NM_001406720.1, NM_001432077.1); c.2165T>C, p.Leu722Pro (NM_001406721.1); c.680T>C, p.Leu227Pro (NM_001406722.1); short protein forms L2334P, L227P, L2366P, L722P.
Identifiers: ClinVar variation 3636516 (VCV003636516.3).

ClinVar aggregate classification (germline): Uncertain significance. Review status: criteria provided, multiple submitters, no conflicts (2 of 4 stars). 2 submissions from 2 submitters: Uncertain significance (2). Last evaluated 2025-11-15.

Conditions:
Hereditary breast ovarian cancer syndrome. Also called: Hereditary breast and ovarian cancer syndrome; Hereditary breast and ovarian cancer syndrome (HBOC); BRCA1- and BRCA2-Associated Hereditary Breast and Ovarian Cancer; Hereditary breast and ovarian cancer; Breast and ovarian cancer; Hereditary breast and/or ovarian cancer syndrome. Identifiers: Orphanet 145, MedGen C0677776, MeSH D061325, MONDO:0003582. Disease mechanism: loss of function.
Hereditary cancer-predisposing syndrome. Also called: Neoplastic Syndromes, Hereditary; Tumor predisposition; Hereditary Cancer Syndrome; Hereditary neoplastic syndrome. Identifiers: Orphanet 140162, MedGen C0027672, MeSH D009386, MONDO:0015356.

Submissions (2):

Ambry Genetics
Classification: Uncertain significance for Hereditary cancer-predisposing syndrome. Last evaluated: 2025-11-15. Review status: criteria provided, single submitter. Criteria: Ambry Variant Classification Scheme 2023. Collection method: clinical testing. Allele origin: germline.
Comment: The p.L2366P variant (also known as c.7097T>C), located in coding exon 13 of the BRCA2 gene, results from a T to C substitution at nucleotide position 7097. The leucine at codon 2366 is replaced by proline, an amino acid with similar properties. This amino acid position is conserved. In addition, this alteration is predicted to be tolerated by in silico analysis. Based on the available evidence, the clinical significance of this variant remains unclear.

Labcorp Genetics (formerly Invitae), Labcorp
Classification: Uncertain significance for Hereditary breast ovarian cancer syndrome. Last evaluated: 2024-07-19. Review status: criteria provided, single submitter. Criteria: Invitae Variant Classification Sherloc (09022015). Collection method: clinical testing. Allele origin: germline.
Comment: This sequence change replaces leucine, which is neutral and non-polar, with proline, which is neutral and non-polar, at codon 2366 of the BRCA2 protein (p.Leu2366Pro). This variant is not present in population databases (gnomAD no frequency). This variant has not been reported in the literature in individuals affected with BRCA2-related conditions. Advanced modeling of protein sequence and biophysical properties (such as structural, functional, and spatial information, amino acid conservation, physicochemical variation, residue mobility, and thermodynamic stability) performed at Invitae indicates that this missense variant is not expected to disrupt BRCA2 protein function with a negative predictive value of 95%. In summary, the available evidence is currently insufficient to determine the role of this variant in disease. Therefore, it has been classified as a Variant of Uncertain Significance.